The following is an entry in ClinVar:

NM_000179.3(MSH6):c.878C>T (p.Pro293Leu)

Gene: MSH6 (mutS homolog 6; plus strand). Cytogenetic location: 2p16.3.
Variant type: single nucleotide variant.
Coding change: c.878C>T on transcript NM_000179.3 (MANE Select); coding-DNA position 878, C replaced by T.
Protein change: p.Pro293Leu; replaces proline 293 with leucine.
Molecular consequence: missense variant. On other transcripts: 5 prime UTR variant (2).
Genome position (GRCh38, 1-based): chr2:47,798,861, C>T. VCF-style: chr2-47798861-C-T. GRCh37 (hg19) VCF-style: chr2-48026000-C-T.
Other names: c.488C>T, p.Pro163Leu (NM_001281492.2); c.-29C>T (NM_001281493.2, NM_001281494.2); short protein forms P293L, P163L.
Identifiers: ClinVar variation 525626 (VCV000525626.10), dbSNP rs1553412308, ClinGen allele CA346740664.

ClinVar aggregate classification (germline): Uncertain significance. Review status: criteria provided, multiple submitters, no conflicts (2 of 4 stars). 2 submissions from 2 submitters: Uncertain significance (2). Last evaluated 2025-04-07.

Conditions:
Hereditary cancer-predisposing syndrome. Also called: Neoplastic Syndromes, Hereditary; Tumor predisposition; Hereditary Cancer Syndrome; Hereditary neoplastic syndrome. Identifiers: Orphanet 140162, MedGen C0027672, MeSH D009386, MONDO:0015356.
Hereditary nonpolyposis colorectal neoplasms. Identifiers: MedGen C0009405, MeSH D003123.

Allele frequency attached by ClinVar (database versions not stated): TOPMed below 0.00001.

Submissions (2):

Labcorp Genetics (formerly Invitae), Labcorp
Classification: Uncertain significance for Hereditary nonpolyposis colorectal neoplasms. Last evaluated: 2025-04-07. Review status: criteria provided, single submitter. Criteria: Invitae Variant Classification Sherloc (09022015). Collection method: clinical testing. Allele origin: germline.
Comment: This sequence change replaces proline, which is neutral and non-polar, with leucine, which is neutral and non-polar, at codon 293 of the MSH6 protein (p.Pro293Leu). This variant is not present in population databases (gnomAD no frequency). This variant has not been reported in the literature in individuals affected with MSH6-related conditions. ClinVar contains an entry for this variant (Variation ID: 525626). Invitae Evidence Modeling of protein sequence and biophysical properties (such as structural, functional, and spatial information, amino acid conservation, physicochemical variation, residue mobility, and thermodynamic stability) indicates that this missense variant is not expected to disrupt MSH6 protein function with a negative predictive value of 95%. In summary, the available evidence is currently insufficient to determine the role of this variant in disease. Therefore, it has been classified as a Variant of Uncertain Significance.

Ambry Genetics
Classification: Uncertain significance for Hereditary cancer-predisposing syndrome. Last evaluated: 2023-12-29. Review status: criteria provided, single submitter. Criteria: Ambry Variant Classification Scheme 2023. Collection method: clinical testing. Allele origin: germline.
Comment: The p.P293L variant (also known as c.878C>T), located in coding exon 4 of the MSH6 gene, results from a C to T substitution at nucleotide position 878. The proline at codon 293 is replaced by leucine, an amino acid with similar properties. This amino acid position is conserved. In addition, the in silico prediction for this alteration is inconclusive. Since supporting evidence is limited at this time, the clinical significance of this alteration remains unclear.